The following is an entry in ClinVar:

ClinVar aggregate classification (germline): Uncertain significance (1 of 4 stars; one submission).

Submission:

Labcorp Genetics (formerly Invitae), Labcorp
Classification: Uncertain significance. Last evaluated: 2025-02-25. Review status: criteria provided, single submitter. Criteria: Invitae Variant Classification Sherloc (09022015). Collection method: clinical testing. Allele origin: germline.
Comment: This sequence change replaces phenylalanine, which is neutral and non-polar, with serine, which is neutral and polar, at codon 349 of the FASTKD2 protein (p.Phe349Ser). This variant is not present in population databases (gnomAD no frequency). This variant has not been reported in the literature in individuals affected with FASTKD2-related conditions. Invitae Evidence Modeling of protein sequence and biophysical properties (such as structural, functional, and spatial information, amino acid conservation, physicochemical variation, residue mobility, and thermodynamic stability) indicates that this missense variant is expected to disrupt FASTKD2 protein function with a positive predictive value of 80%. In summary, the available evidence is currently insufficient to determine the role of this variant in disease. Therefore, it has been classified as a Variant of Uncertain Significance.

NM_001136193.2(FASTKD2):c.1046T>C (p.Phe349Ser)

Gene: FASTKD2 (FAST kinase domains 2; plus strand). Cytogenetic location: 2q33.3.
Variant type: single nucleotide variant.
Coding change: c.1046T>C on transcript NM_001136193.2 (MANE Select); coding-DNA position 1046, T replaced by C.
Protein change: p.Phe349Ser; replaces phenylalanine 349 with serine.
Molecular consequence: missense variant.
Genome position (GRCh38, 1-based): chr2:206,771,949, T>C. VCF-style: chr2-206771949-T-C. GRCh37 (hg19) VCF-style: chr2-207636673-T-C.
Other names: c.1046T>C, p.Phe349Ser (NM_001136194.2, NM_014929.4); short protein forms F349S.
Identifiers: ClinVar variation 4738027 (VCV004738027.1).
Genomic context (GRCh38, chr2:206,771,949, plus strand): 5'-TTTAGATGAAAGCCTTGAGGGAATTAGACAGATTTTCTGTTTTGAATAGCCAACACATGT[T>C]TGAAGTACTAGCTGCCATGAATCACCGATCTCTTATACTCCTGGATGAATGCAGTAAGGT-3'
Protein context (NP_001129665.1, residues 339-359): RFSVLNSQHM[Phe349Ser]EVLAAMNHRS